The following is an entry in ClinVar:

ClinVar aggregate classification (germline): Uncertain significance (1 of 4 stars; one submission).

Submission:

GeneDx
Classification: Uncertain significance. Last evaluated: 2025-04-25. Review status: criteria provided, single submitter. Criteria: GeneDx Variant Classification Process June 2021. Collection method: clinical testing. Allele origin: germline. Affected: yes.
Comment: Not observed at significant frequency in large population cohorts (gnomAD); In silico analysis supports that this missense variant has a deleterious effect on protein structure/function; Has not been previously published as pathogenic or benign to our knowledge

NM_001195248.2(APTX):c.131A>T (p.Gln44Leu)

Gene: APTX (aprataxin; minus strand). Cytogenetic location: 9p21.1.
Variant type: single nucleotide variant.
Coding change: c.131A>T on transcript NM_001195248.2 (MANE Select); coding-DNA position 131, A replaced by T.
Protein change: p.Gln44Leu; replaces glutamine 44 with leucine.
Molecular consequence: missense variant. On other transcripts: 5 prime UTR variant (8), non-coding transcript variant (13).
Genome position (GRCh38, 1-based): chr9:32,989,761, T>A on the plus strand (A>T on the coding strand, the complement: APTX is on the minus strand). VCF-style: chr9-32989761-T-A. GRCh37 (hg19) VCF-style: chr9-32989759-T-A.
Other names: c.-129A>T (NM_001369006.1, NM_001370669.1, NM_001370670.1 and 4 more transcripts); c.131A>T, p.Gln44Leu (NM_175069.3, NM_175073.3, NM_001368997.1 and 11 more transcripts); c.-87A>T (NM_001369004.1); short protein forms Q44L.
Identifiers: ClinVar variation 4527152 (VCV004527152.1).